The following is an entry in ClinVar:

ClinVar aggregate classification (germline): Uncertain significance (1 of 4 stars; one submission).

Conditions:
Type 2 diabetes mellitus. Also called: Type II diabetes mellitus. Identifiers: MedGen C0011860, MeSH D003924, MONDO:0005148, OMIM 125853, HP:0005978.

gnomAD v4.1: 7 of 1,600,328 alleles (0.00044%); highest among the groups gnomAD compares: African/African-American, 0.004%; no homozygotes.

Submission:

Diagnostics Services (NGS), CSIR - Centre For Cellular And Molecular Biology
Classification: Uncertain significance for Type 2 diabetes mellitus. Last evaluated: 2025-11-14. Review status: criteria provided, single submitter. Criteria: ACMG Guidelines, 2015. Collection method: clinical testing. Allele origin: germline. Affected: yes. Observed: 1 variant allele, 1 heterozygote.
Comment: The c.340G>A variant is not present in 1000 Genomes, EVS, gnomAD, Indian Exome Database or our internal database. This variant has neither been published in the literature for IRS2-related conditions nor reported to HGMD, OMIM, or ClinVar databases, in any affected individuals. In-silico pathogenicity prediction programs like SIFT, Polyphen-2, MutationTaster2, CADD etc predicted this variant to be likely deleterious, however these predictions were not confirmed by published functional studies.

NM_003749.3(IRS2):c.340G>A (p.Ala114Thr)

Gene: IRS2 (insulin receptor substrate 2; minus strand). Cytogenetic location: 13q34.
Variant type: single nucleotide variant.
Coding change: c.340G>A on transcript NM_003749.3 (MANE Select); coding-DNA position 340, G replaced by A.
Protein change: p.Ala114Thr; replaces alanine 114 with threonine.
Molecular consequence: missense variant.
Genome position (GRCh38, 1-based): chr13:109,785,714, C>T on the plus strand (G>A on the coding strand, the complement: IRS2 is on the minus strand). VCF-style: chr13-109785714-C-T. GRCh37 (hg19) VCF-style: chr13-110438061-C-T.
Other names: short protein forms A114T.
Identifiers: ClinVar variation 4533278 (VCV004533278.1).